The following is an entry in ClinVar:

NM_000057.4(BLM):c.2519A>G (p.Asp840Gly)

Gene: BLM (BLM RecQ like helicase; plus strand). Cytogenetic location: 15q26.1.
Variant type: single nucleotide variant.
Coding change: c.2519A>G on transcript NM_000057.4 (MANE Select); coding-DNA position 2519, A replaced by G.
Protein change: p.Asp840Gly; replaces aspartic acid 840 with glycine.
Molecular consequence: missense variant.
Genome position (GRCh38, 1-based): chr15:90,769,550, A>G. VCF-style: chr15-90769550-A-G. GRCh37 (hg19) VCF-style: chr15-91312780-A-G.
Other names: c.2519A>G, p.Asp840Gly (NM_001287246.2, NM_001287247.2); c.1394A>G, p.Asp465Gly (NM_001287248.2); short protein forms D465G, D840G.
Identifiers: ClinVar variation 4798465 (VCV004798465.1).

ClinVar aggregate classification (germline): Uncertain significance (1 of 4 stars; one submission).

Conditions:
Bloom syndrome (BLM). Also called: Bloom-Torre-Machacek syndrome. Identifiers: Orphanet 125, MedGen C0005859, MONDO:0008876, OMIM 210900.

Submission:

Labcorp Genetics (formerly Invitae), Labcorp
Classification: Uncertain significance for Bloom syndrome. Last evaluated: 2025-11-24. Review status: criteria provided, single submitter. Criteria: Invitae Variant Classification Sherloc (09022015). Collection method: clinical testing. Allele origin: germline.
Comment: This sequence change replaces aspartic acid, which is acidic and polar, with glycine, which is neutral and non-polar, at codon 840 of the BLM protein (p.Asp840Gly). This variant is not present in population databases (gnomAD no frequency). This variant has not been reported in the literature in individuals affected with BLM-related conditions. Invitae Evidence Modeling of protein sequence and biophysical properties (such as structural, functional, and spatial information, amino acid conservation, physicochemical variation, residue mobility, and thermodynamic stability) indicates that this missense variant is expected to disrupt BLM protein function with a positive predictive value of 80%. In summary, the available evidence is currently insufficient to determine the role of this variant in disease. Therefore, it has been classified as a Variant of Uncertain Significance.